The following is an entry in ClinVar:

ClinVar aggregate classification (germline): Uncertain significance (1 of 4 stars; one submission).

Conditions:
Cornelia de Lange syndrome 5 (CDLS5). Also called: HDAC8-Related Cornelia de Lange Syndrome. Identifiers: Orphanet 199, MedGen C3550903, MONDO:0010471, OMIM 300882.

Submission:

Labcorp Genetics (formerly Invitae), Labcorp
Classification: Uncertain significance for Cornelia de Lange syndrome 5. Last evaluated: 2024-05-22. Review status: criteria provided, single submitter. Criteria: Invitae Variant Classification Sherloc (09022015). Collection method: clinical testing. Allele origin: germline.
Comment: This sequence change replaces asparagine, which is neutral and polar, with isoleucine, which is neutral and non-polar, at codon 228 of the HDAC8 protein (p.Asn228Ile). This variant is not present in population databases (gnomAD no frequency). This variant has not been reported in the literature in individuals affected with HDAC8-related conditions. ClinVar contains an entry for this variant (Variation ID: 1470584). Advanced modeling of protein sequence and biophysical properties (such as structural, functional, and spatial information, amino acid conservation, physicochemical variation, residue mobility, and thermodynamic stability) performed at Invitae indicates that this missense variant is expected to disrupt HDAC8 protein function with a positive predictive value of 80%. In summary, the available evidence is currently insufficient to determine the role of this variant in disease. Therefore, it has been classified as a Variant of Uncertain Significance.

NM_018486.3(HDAC8):c.683A>T (p.Asn228Ile)

Gene: HDAC8 (histone deacetylase 8; minus strand). Cytogenetic location: Xq13.1.
Variant type: single nucleotide variant.
Coding change: c.683A>T on transcript NM_018486.3 (MANE Select); coding-DNA position 683, A replaced by T.
Protein change: p.Asn228Ile; replaces asparagine 228 with isoleucine.
Molecular consequence: missense variant. On other transcripts: non-coding transcript variant (1).
Genome position (GRCh38, 1-based): chrX:72,488,987, T>A on the plus strand (A>T on the coding strand, the complement: HDAC8 is on the minus strand). VCF-style: chrX-72488987-T-A. GRCh37 (hg19) VCF-style: chrX-71708837-T-A.
Other names: c.410A>T, p.Asn137Ile (NM_001166418.2); c.683A>T, p.Asn228Ile (NM_001166419.2); c.332A>T, p.Asn111Ile (NM_001166448.2); short protein forms N228I, N111I, N137I.
Identifiers: ClinVar variation 1470584 (VCV001470584.6), dbSNP rs2148124551, ClinGen allele CA413639081.
Genomic context (GRCh38, chrX:72,488,987, plus strand): 5'-CCATACCTTTCACAGATCTGGTAATATTTTTCATCTTGTATGCCATCCTGAATGGGCACA[T>A]TTACACTGTAGTACCGTCCCTTCCCTAGGCCAACATCAGACACGTCACCTGTTCCTATAA-3'
Protein context (NP_060956.1, residues 218-238): GLGKGRYYSV[Asn228Ile]VPIQDGIQDE